The following is an entry in ClinVar:

NM_031924.8(RSPH3):c.631C>T (p.Arg211Trp)

Gene: RSPH3 (radial spoke head 3; minus strand). Cytogenetic location: 6q25.3.
Variant type: single nucleotide variant.
Coding change: c.631C>T on transcript NM_031924.8 (MANE Select); coding-DNA position 631, C replaced by T.
Protein change: p.Arg211Trp; replaces arginine 211 with tryptophan.
Molecular consequence: missense variant. On other transcripts: non-coding transcript variant (1).
Genome position (GRCh38, 1-based): chr6:158,982,550, G>A on the plus strand (C>T on the coding strand, the complement: RSPH3 is on the minus strand). VCF-style: chr6-158982550-G-A. GRCh37 (hg19) VCF-style: chr6-159403582-G-A.
Other names: c.769C>T, p.Arg257Trp (NM_001346418.1); short protein forms R257W, R211W.
Identifiers: ClinVar variation 566567 (VCV000566567.6), dbSNP rs755822557, ClinGen allele CA4075858.

ClinVar aggregate classification (germline): Uncertain significance. Review status: criteria provided, multiple submitters, no conflicts (2 of 4 stars). 2 submissions from 2 submitters: Uncertain significance (2). Last evaluated 2022-08-22.

Conditions:
Primary ciliary dyskinesia 32. Also called: CILIARY DYSKINESIA, PRIMARY, 32, WITHOUT SITUS INVERSUS. Identifiers: Orphanet 244, MedGen C4225311, MONDO:0014657, OMIM 616481.
Inborn genetic diseases. Identifiers: MedGen C0950123, MeSH D030342.

Allele frequency attached by ClinVar (database versions not stated): gnomAD 0.00004 and 0.00005; ExAC 0.00005; gnomAD exomes 0.00007.

Submissions (2):

Labcorp Genetics (formerly Invitae), Labcorp
Classification: Uncertain significance for Primary ciliary dyskinesia 32. Last evaluated: 2022-08-22. Review status: criteria provided, single submitter. Criteria: Invitae Variant Classification Sherloc (09022015). Collection method: clinical testing. Allele origin: germline.
Comment: This sequence change replaces arginine, which is basic and polar, with tryptophan, which is neutral and slightly polar, at codon 353 of the RSPH3 protein (p.Arg353Trp). This variant is present in population databases (rs755822557, gnomAD 0.02%). This variant has not been reported in the literature in individuals affected with RSPH3-related conditions. ClinVar contains an entry for this variant (Variation ID: 566567). Algorithms developed to predict the effect of missense changes on protein structure and function (SIFT, PolyPhen-2, Align-GVGD) all suggest that this variant is likely to be disruptive. In summary, the available evidence is currently insufficient to determine the role of this variant in disease. Therefore, it has been classified as a Variant of Uncertain Significance.

Ambry Genetics
Classification: Uncertain significance for Inborn genetic diseases. Last evaluated: 2021-07-15. Review status: criteria provided, single submitter. Criteria: Ambry Variant Classification Scheme 2023. Collection method: clinical testing. Allele origin: germline.